The following is an entry in ClinVar:

ClinVar aggregate classification (germline): Uncertain significance (1 of 4 stars; one submission).

Allele frequency attached by ClinVar (database versions not stated): TOPMed 0.00001.

Submission:

GeneDx
Classification: Uncertain significance. Last evaluated: 2022-04-06. Review status: criteria provided, single submitter. Criteria: GeneDx Variant Classification Process June 2021. Collection method: clinical testing. Allele origin: germline. Affected: yes.
Comment: Has not been previously published as pathogenic or benign to our knowledge; Not observed at significant frequency in large population cohorts (gnomAD); In silico analysis, which includes splice predictors and evolutionary conservation, suggests this variant may impact gene splicing; in the absence of RNA/functional studies, the actual effect of this sequence change is unknown

NM_021096.4(CACNA1I):c.3474G>A (p.Arg1158=)

Gene: CACNA1I (calcium voltage-gated channel subunit alpha1 I; plus strand). Cytogenetic location: 22q13.1.
Variant type: single nucleotide variant.
Coding change: c.3474G>A on transcript NM_021096.4 (MANE Select); coding-DNA position 3474, G replaced by A.
Protein change: p.Arg1158=; no amino-acid change (arginine 1158 retained).
Molecular consequence: synonymous variant.
Genome position (GRCh38, 1-based): chr22:39,663,718, G>A. VCF-style: chr22-39663718-G-A. GRCh37 (hg19) VCF-style: chr22-40059723-G-A.
Other names: c.3369G>A, p.Arg1123= (NM_001003406.2).
Identifiers: ClinVar variation 1708739 (VCV001708739.2), dbSNP rs796111456, ClinGen allele CA324470742.